The following is an entry in ClinVar:

NM_001042472.3(ABHD12):c.551A>T (p.Asp184Val)

Gene: ABHD12 (abhydrolase domain containing 12, lysophospholipase; minus strand). Cytogenetic location: 20p11.21.
Variant type: single nucleotide variant.
Coding change: c.551A>T on transcript NM_001042472.3 (MANE Select); coding-DNA position 551, A replaced by T.
Protein change: p.Asp184Val; replaces aspartic acid 184 with valine.
Molecular consequence: missense variant.
Genome position (GRCh38, 1-based): chr20:25,317,070, T>A on the plus strand (A>T on the coding strand, the complement: ABHD12 is on the minus strand). VCF-style: chr20-25317070-T-A. GRCh37 (hg19) VCF-style: chr20-25297706-T-A.
Other names: c.551A>T, p.Asp184Val (NM_015600.5); short protein forms D184V.
Identifiers: ClinVar variation 1008795 (VCV001008795.8), dbSNP rs2088976465, ClinGen allele CA408456689.
Genomic context (GRCh38, chr20:25,317,070, plus strand): 5'-CAGCCCAGGGAACAGGTGTGGGTGCTGCCTGCACTCACCTTGTAAAGCTCCACGCGGTGG[T>A]CGCCTCCTCTGGAGAAGAAAACAGGACATGGTGTGAGCACATCTTCTCAGAGTTGGGCCC-3'
Protein context (NP_001035937.1, residues 174-194): LHGNAGTRGG[Asp184Val]HRVELYKVLS

ClinVar aggregate classification (germline): Uncertain significance (1 of 4 stars; one submission).

Submission:

Labcorp Genetics (formerly Invitae), Labcorp
Classification: Uncertain significance. Last evaluated: 2022-10-04. Review status: criteria provided, single submitter. Criteria: Invitae Variant Classification Sherloc (09022015). Collection method: clinical testing. Allele origin: germline.
Comment: This variant is not present in population databases (gnomAD no frequency). This sequence change replaces aspartic acid, which is acidic and polar, with valine, which is neutral and non-polar, at codon 184 of the ABHD12 protein (p.Asp184Val). In summary, the available evidence is currently insufficient to determine the role of this variant in disease. Therefore, it has been classified as a Variant of Uncertain Significance. Algorithms developed to predict the effect of missense changes on protein structure and function are either unavailable or do not agree on the potential impact of this missense change (SIFT: "Tolerated"; PolyPhen-2: "Probably Damaging"; Align-GVGD: "Class C0"). ClinVar contains an entry for this variant (Variation ID: 1008795). This variant has not been reported in the literature in individuals affected with ABHD12-related conditions.